The following is an entry in ClinVar:

NM_001042492.3(NF1):c.2447G>A (p.Arg816Gln)

Gene: NF1 (neurofibromin 1; plus strand). Cytogenetic location: 17q11.2.
Variant type: single nucleotide variant.
Coding change: c.2447G>A on transcript NM_001042492.3 (MANE Select); coding-DNA position 2447, G replaced by A.
Protein change: p.Arg816Gln; replaces arginine 816 with glutamine.
Molecular consequence: missense variant.
Genome position (GRCh38, 1-based): chr17:31,229,062, G>A. VCF-style: chr17-31229062-G-A. GRCh37 (hg19) VCF-style: chr17-29556080-G-A.
Other names: c.2447G>A, p.Arg816Gln (NM_000267.4); short protein forms R816Q.
Identifiers: ClinVar variation 220840 (VCV000220840.14), dbSNP rs762709897, ClinGen allele CA348541.

ClinVar aggregate classification (germline): Uncertain significance. Review status: criteria provided, multiple submitters, no conflicts (2 of 4 stars). 5 submissions from 5 submitters: Uncertain significance (5). Last evaluated 2026-02-01.

Conditions:
Hereditary cancer-predisposing syndrome. Also called: Neoplastic Syndromes, Hereditary; Hereditary Cancer Syndrome; Tumor predisposition; Hereditary neoplastic syndrome. Identifiers: Orphanet 140162, MedGen C0027672, MeSH D009386, MONDO:0015356.
Cardiovascular phenotype. Identifiers: MedGen CN230736.
Neurofibromatosis, type 1 (NF1). Also called: VON RECKLINGHAUSEN DISEASE; Peripheral type neurofibromatosis; NEUROFIBROMATOSIS, TYPE I, SOMATIC; Neurofibromatosis, type I. Identifiers: Orphanet 636, MedGen C0027831, MONDO:0018975, OMIM 162200. Disease mechanism: loss of function.

Allele frequency attached by ClinVar (database versions not stated): gnomAD exomes below 0.00001 and 0.00001; TOPMed below 0.00001; ExAC 0.00001; gnomAD 0.00001.
gnomAD v4.1: 9 of 1,611,474 alleles (0.00056%); highest among the groups gnomAD compares: East Asian, 0.0045%; no homozygotes.

Submissions (5):

CeGaT Center for Human Genetics Tuebingen
Classification: Uncertain significance. Last evaluated: 2026-02-01. Review status: criteria provided, single submitter. Criteria: CeGaT Center For Human Genetics Tuebingen Variant Classification Criteria Version 2. Collection method: clinical testing. Allele origin: germline. Affected: yes. Observed: 1 variant allele.

Labcorp Genetics (formerly Invitae), Labcorp
Classification: Uncertain significance for Neurofibromatosis, type 1. Last evaluated: 2024-11-18. Review status: criteria provided, single submitter. Criteria: Invitae Variant Classification Sherloc (09022015). Collection method: clinical testing. Allele origin: germline.
Comment: This sequence change replaces arginine, which is basic and polar, with glutamine, which is neutral and polar, at codon 816 of the NF1 protein (p.Arg816Gln). This variant is present in population databases (rs762709897, gnomAD 0.0009%). This variant has not been reported in the literature in individuals affected with NF1-related conditions. ClinVar contains an entry for this variant (Variation ID: 220840). Invitae Evidence Modeling of protein sequence and biophysical properties (such as structural, functional, and spatial information, amino acid conservation, physicochemical variation, residue mobility, and thermodynamic stability) has been performed for this missense variant. However, the output from this modeling did not meet the statistical confidence thresholds required to predict the impact of this variant on NF1 protein function. In summary, the available evidence is currently insufficient to determine the role of this variant in disease. Therefore, it has been classified as a Variant of Uncertain Significance.

Ambry Genetics
Classification: Uncertain significance for Cardiovascular phenotype; Hereditary cancer-predisposing syndrome. Last evaluated: 2024-01-09. Review status: criteria provided, single submitter. Criteria: Ambry Variant Classification Scheme 2023. Collection method: clinical testing. Allele origin: germline.
Comment: The p.R816Q variant (also known as c.2447G>A), located in coding exon 21 of the NF1 gene, results from a G to A substitution at nucleotide position 2447. The arginine at codon 816 is replaced by glutamine, an amino acid with highly similar properties. This alteration was not observed in unselected male breast cancer patients and was observed with an allele frequency of 0.0001 in 12490 male controls of Japanese ancestry (Momozawa Y et al. Nat Commun, 2018 10;9:4083). This amino acid position is highly conserved in available vertebrate species. In addition, this alteration is predicted to be tolerated by in silico analysis. Since supporting evidence is limited at this time, the clinical significance of this alteration remains unclear.

Women's Health and Genetics/Laboratory Corporation of America, LabCorp
Classification: Uncertain significance. Last evaluated: 2023-09-18. Review status: criteria provided, single submitter. Criteria: LabCorp Variant Classification Summary - May 2015. Collection method: clinical testing. Allele origin: germline.
Comment: Variant summary: NF1 c.2447G>A (p.Arg816Gln) results in a conservative amino acid change in the encoded protein sequence. Three of five in-silico tools predict a benign effect of the variant on protein function. The variant allele was found at a frequency of 4e-06 in 250020 control chromosomes. The available data on variant occurrences in the general population are insufficient to allow any conclusion about variant significance. To our knowledge, no occurrence of c.2447G>A in individuals affected with Neurofibromatosis Type 1 and no experimental evidence demonstrating its impact on protein function have been reported. Three submitters have cited clinical-significance assessments for this variant to ClinVar after 2014; all submitters classified the variant as uncertain significance. Based on the evidence outlined above, the variant was classified as uncertain significance.

Genome-Nilou Lab
Classification: Uncertain significance for Neurofibromatosis, type 1. Last evaluated: 2022-03-15. Review status: criteria provided, single submitter. Criteria: ACMG Guidelines, 2015. Collection method: clinical testing. Allele origin: germline. Affected: no.